The following is an entry in ClinVar:

ClinVar aggregate classification (germline): Likely pathogenic (1 of 4 stars; one submission).

Conditions:
Neurofibromatosis, type 1 (NF1). Also called: Peripheral type neurofibromatosis; Neurofibromatosis, type I; VON RECKLINGHAUSEN DISEASE; NEUROFIBROMATOSIS, TYPE I, SOMATIC. Identifiers: Orphanet 636, MedGen C0027831, MONDO:0018975, OMIM 162200. Disease mechanism: loss of function.

Submission:

Women's Health and Genetics/Laboratory Corporation of America, LabCorp
Classification: Likely pathogenic for Neurofibromatosis, type 1. Last evaluated: 2023-04-15. Review status: criteria provided, single submitter. Criteria: LabCorp Variant Classification Summary - May 2015. Collection method: clinical testing. Allele origin: germline.
Comment: Variant summary: NF1 c.4847delA (p.Lys1616SerfsX6) results in a premature termination codon, predicted to cause a truncation of the encoded protein or absence of the protein due to nonsense mediated decay, which are commonly known mechanisms for disease. Truncations downstream of this position have been classified as pathogenic by our laboratory. The variant was absent in 251258 control chromosomes (gnomAD). To our knowledge, no occurrence of c.4847delA in individuals affected with Neurofibromatosis Type 1 and no experimental evidence demonstrating its impact on protein function have been reported. No clinical diagnostic laboratories have submitted clinical-significance assessments for this variant to ClinVar after 2014. Based on the evidence outlined above, the variant was classified as likely pathogenic.

NM_001042492.3(NF1):c.4910del (p.Lys1637fs)

Gene: NF1 (neurofibromin 1; plus strand). Cytogenetic location: 17q11.2.
Variant type: Deletion.
Coding change: c.4910del on transcript NM_001042492.3 (MANE Select); coding-DNA position 4910, one base deleted (A; older notation c.4910delA).
Protein change: p.Lys1637fs; shifts the reading frame from lysine 1637.
Molecular consequence: frameshift variant.
Genome position (GRCh38, 1-based): chr17:31,325,894, A deleted; the last of 3 consecutive A bases (chr17:31,325,892-31,325,894); deleting any one gives the same sequence. VCF-style (leftmost placement, unchanged base first): chr17-31325891-CA-C. GRCh37 (hg19) VCF-style: chr17-29652909-CA-C.
Other names: c.4847delA (NM_000267.3); c.4847delA, p.Lys1616Serfs (NM_000267.4); short protein forms K1616fs, K1637fs.
Identifiers: ClinVar variation 2503910 (VCV002503910.1), dbSNP rs2508694884, ClinGen allele CA2580614060.
Genomic context (GRCh38, chr17:31,325,891, plus strand): 5'-GTCAAATCAATGGTGATTTGCTGATATACCATGTCTTACTGACTTTAAAGCCATATTATG[CA>C]AAGCCATATGAAATTGTAGTGGACCTTACCCATACCGGGCCTAGCAATCGCTTTAAAACA-3'